The following is an entry in ClinVar:

NM_198968.4(DZIP1):c.2248dup (p.Val750fs)

Gene: DZIP1 (DAZ interacting zinc finger protein 1; minus strand). Cytogenetic location: 13q32.1.
Variant type: Duplication.
Coding change: c.2248dup on transcript NM_198968.4 (MANE Select); coding-DNA position 2248, one base duplicated (G; older notation c.2248dupG).
Protein change: p.Val750fs; shifts the reading frame from valine 750.
Molecular consequence: frameshift variant.
Genome position (GRCh38, 1-based): chr13:95,586,107, C duplicated on the plus strand (G on the coding strand, the reverse complement: DZIP1 is on the minus strand). VCF-style (leftmost placement, unchanged base first): chr13-95586106-A-AC. GRCh37 (hg19) VCF-style: chr13-96238360-A-AC.
Other names: c.2191dup, p.Val731fs (NM_014934.5); c.2248dupG (NM_198968.4); short protein forms V731fs, V750fs.
Identifiers: ClinVar variation 4845739 (VCV004845739.1).

ClinVar aggregate classification (germline): Likely pathogenic (1 of 4 stars; one submission).

Conditions:
Spermatogenic failure 47. Identifiers: MedGen C5436818, MONDO:0030844, OMIM 619102.

Submission:

First Genomix Gene Laboratory, Genetic Diagnostics Department
Classification: Likely pathogenic for Spermatogenic failure 47. Last evaluated: 2025-01-08. Review status: criteria provided, single submitter. Criteria: ACMG Guidelines, 2015. Collection method: clinical testing. Allele origin: germline. Inheritance: Autosomal recessive inheritance. Affected: no. Observed: 1 variant allele.